The following is an entry in ClinVar:

NM_001754.5(RUNX1):c.*1400G>A

Gene: RUNX1 (RUNX family transcription factor 1; minus strand). Cytogenetic location: 21q22.12.
Variant type: single nucleotide variant.
Coding change: c.*1400G>A on transcript NM_001754.5 (MANE Select); 1400 bases downstream of the stop codon, G replaced by A.
Molecular consequence: 3 prime UTR variant.
Genome position (GRCh38, 1-based): chr21:34,790,735, C>T on the plus strand (G>A on the coding strand, the complement: RUNX1 is on the minus strand). VCF-style: chr21-34790735-C-T. GRCh37 (hg19) VCF-style: chr21-36163032-C-T.
Other names: c.*1400G>A (NM_001001890.3).
Identifiers: ClinVar variation 898791 (VCV000898791.5), dbSNP rs1320740761, ClinGen allele CA748900507.

ClinVar aggregate classification (germline): Uncertain significance. Review status: reviewed by expert panel (3 of 4 stars). 2 submissions from 2 submitters: Uncertain significance (1). 1 of the submissions does not count toward it. Last evaluated 2025-01-15.

Conditions:
Hereditary thrombocytopenia and hematologic cancer predisposition syndrome. Identifiers: Orphanet 71290, MedGen CN281654, MONDO:0011071.
Hereditary thrombocytopenia and hematological cancer predisposition syndrome associated with RUNX1. Also called: PLATELET DISORDER, ASPIRIN-LIKE; RUNX1 Familial Platelet Disorder with Associated Myeloid Malignancies; Familial Platelet Disorder with Propensity to Acute Myelogenous Leukemia; Familial thrombocytopenia with propensity to acute myelogenous leukemia. Identifiers: Orphanet 71290, MedGen C1832388, MeSH C563324, MONDO:0100083, OMIM 601399.

Allele frequency attached by ClinVar (database versions not stated): gnomAD 0.00001; TOPMed 0.00002.

Submissions (2):

ClinGen Myeloid Malignancy Variant Curation Expert Panel
Classification: Uncertain significance for Hereditary thrombocytopenia and hematologic cancer predisposition syndrome. Last evaluated: 2025-01-15. Review status: reviewed by expert panel. Criteria: ClinGen MyeloMalig ACMG Specifications v2. Collection method: curation. Allele origin: germline. Inheritance: Autosomal dominant inheritance.
Comment: NM_001754.5(RUNX1):c.*1400G>A is a 3' UTR variant which is completely absent from all population databases with at least 20x coverage for RUNX1 (PM2_Supporting). In summary, the clinical significance of this variant is uncertain. ACMG/AMP criteria applied, as specified by the Myeloid Malignancy Variant Curation Expert Panel for RUNX1: PM2_supporting.

Illumina Laboratory Services, Illumina
Classification: Uncertain significance for Hereditary thrombocytopenia and hematological cancer predisposition syndrome associated with RUNX1. Last evaluated: 2018-03-02. Review status: criteria provided, single submitter. Criteria: ICSL Variant Classification Criteria 13 December 2019. Collection method: clinical testing. Allele origin: germline. Not counted in ClinVar's aggregate classification.